The following is an entry in ClinVar:

ClinVar aggregate classification (germline): Uncertain significance. Review status: criteria provided, multiple submitters, no conflicts (2 of 4 stars). 2 submissions from 2 submitters: Uncertain significance (2). Last evaluated 2024-04-19.

Conditions:
Epilepsy, progressive myoclonic, 1B. Also called: PME. Identifiers: Orphanet 308, MedGen C2676254, MONDO:0012904, OMIM 612437.

Allele frequency attached by ClinVar (database versions not stated): gnomAD exomes 0.00003 and 0.00004; ExAC 0.00004; TOPMed 0.00004; gnomAD 0.00006; ESP Exome Variant Server 0.00023.
gnomAD v4.1: 48 of 1,613,950 alleles (0.003%); highest among the groups gnomAD compares: South Asian, 0.0055%; no homozygotes.

Submissions (2):

Women's Health and Genetics/Laboratory Corporation of America, LabCorp
Classification: Uncertain significance. Last evaluated: 2024-04-19. Review status: criteria provided, single submitter. Criteria: LabCorp Variant Classification Summary - May 2015. Collection method: clinical testing. Allele origin: germline.
Comment: Variant summary: PRICKLE1 c.206T>C (p.Ile69Thr) results in a non-conservative amino acid change located in the PET domain (IPR010442) of the encoded protein sequence. Three of five in-silico tools predict a damaging effect of the variant on protein function. The variant allele was found at a frequency of 4e-05 in 251400 control chromosomes. c.206T>C has been reported in the literature in at least one individual with unreported genotype affected with diastematomyelia type II (e.g. Bosoi_2012) . This report does not provide unequivocal conclusions about association of the variant with Epilepsy, progressive myoclonic, 1B. One publication reports experimental evidence evaluating an impact on protein function, showing the variant is associated with increased frequency of embryonic neural tube defects in zebrafish embryos (e.g. Bosoi_2012). However, this data does not allow convincing conclusions about the variant effect. The following publication have been ascertained in the context of this evaluation (PMID: 21901791). ClinVar contains an entry for this variant (Variation ID: 640149). Based on the evidence outlined above, the variant was classified as uncertain significance.

Labcorp Genetics (formerly Invitae), Labcorp
Classification: Uncertain significance for Epilepsy, progressive myoclonic, 1B. Last evaluated: 2023-09-25. Review status: criteria provided, single submitter. Criteria: Invitae Variant Classification Sherloc (09022015). Collection method: clinical testing. Allele origin: germline.
Comment: ClinVar contains an entry for this variant (Variation ID: 640149). This sequence change replaces isoleucine, which is neutral and non-polar, with threonine, which is neutral and polar, at codon 69 of the PRICKLE1 protein (p.Ile69Thr). This variant is present in population databases (rs141795695, gnomAD 0.006%). This missense change has been observed in individual(s) with diastematomyelia type II (PMID: 21901791). Advanced modeling of protein sequence and biophysical properties (such as structural, functional, and spatial information, amino acid conservation, physicochemical variation, residue mobility, and thermodynamic stability) performed at Invitae indicates that this missense variant is expected to disrupt PRICKLE1 protein function. Experimental studies have shown that this missense change affects PRICKLE1 function (PMID: 21901791). In summary, the available evidence is currently insufficient to determine the role of this variant in disease. Therefore, it has been classified as a Variant of Uncertain Significance.

Literature cited by the submitters: PubMed 21901791 (cited by Women's Health and Genetics/Laboratory Corporation of America, LabCorp and Labcorp Genetics (formerly Invitae), Labcorp).

NM_153026.3(PRICKLE1):c.206T>C (p.Ile69Thr)

Gene: PRICKLE1 (prickle planar cell polarity protein 1; minus strand). Cytogenetic location: 12q12.
Variant type: single nucleotide variant.
Coding change: c.206T>C on transcript NM_153026.3 (MANE Select); coding-DNA position 206, T replaced by C.
Protein change: p.Ile69Thr; replaces isoleucine 69 with threonine.
Molecular consequence: missense variant.
Genome position (GRCh38, 1-based): chr12:42,470,286, A>G on the plus strand (T>C on the coding strand, the complement: PRICKLE1 is on the minus strand). VCF-style: chr12-42470286-A-G. GRCh37 (hg19) VCF-style: chr12-42864088-A-G.
Other names: c.206T>C, p.Ile69Thr (NM_001144881.2, NM_001144882.2, NM_001144883.2); short protein forms I69T.
Identifiers: ClinVar variation 640149 (VCV000640149.11), dbSNP rs141795695, ClinGen allele CA6519968.
Genomic context (GRCh38, chr12:42,470,286, plus strand): 5'-CCTTCTTCCTGCTATTTTACCTCATTATCATGTGGTGGTAACTGGTACAAAAGCTGTTTA[A>G]TCCGATGCTTCTCTCCGGGGCTGTTAACGTAAGGAACTTTTTCCTCTGGTAAGCAAGCAA-3'
Protein context (NP_694571.2, residues 59-79): YVNSPGEKHR[Ile69Thr]KQLLYQLPPH